The following is an entry in ClinVar:

ClinVar aggregate classification (germline): Uncertain significance (1 of 4 stars; one submission).

gnomAD v4.1: 3 of 1,612,682 alleles (0.00019%); highest among the groups gnomAD compares: African/African-American, 0.0013%; no homozygotes.

Submission:

Labcorp Genetics (formerly Invitae), Labcorp
Classification: Uncertain significance. Last evaluated: 2025-11-21. Review status: criteria provided, single submitter. Criteria: Invitae Variant Classification Sherloc (09022015). Collection method: clinical testing. Allele origin: germline.
Comment: This sequence change replaces glutamine, which is neutral and polar, with histidine, which is basic and polar, at codon 534 of the TNNI3K protein (p.Gln534His). This variant is not present in population databases (gnomAD no frequency). This variant has not been reported in the literature in individuals affected with TNNI3K-related conditions. ClinVar contains an entry for this variant (Variation ID: 1467136). Invitae Evidence Modeling of protein sequence and biophysical properties (such as structural, functional, and spatial information, amino acid conservation, physicochemical variation, residue mobility, and thermodynamic stability) indicates that this missense variant is not expected to disrupt TNNI3K protein function with a negative predictive value of 80%. In summary, the available evidence is currently insufficient to determine the role of this variant in disease. Therefore, it has been classified as a Variant of Uncertain Significance.

NM_015978.3(TNNI3K):c.1602G>C (p.Gln534His)

Genes: TNNI3K (TNNI3 interacting kinase; plus strand), FPGT-TNNI3K (FPGT-TNNI3K readthrough; plus strand). Cytogenetic location: 1p31.1.
Variant type: single nucleotide variant.
Coding change: c.1602G>C on transcript NM_015978.3 (MANE Select); coding-DNA position 1602, G replaced by C.
Protein change: p.Gln534His; replaces glutamine 534 with histidine.
Molecular consequence: missense variant.
Genome position (GRCh38, 1-based): chr1:74,369,520, G>C. VCF-style: chr1-74369520-G-C. GRCh37 (hg19) VCF-style: chr1-74835204-G-C.
Other names: c.1905G>C, p.Gln635His (NM_001112808.3, NM_001199327.2); short protein forms Q534H, Q635H.
Identifiers: ClinVar variation 1467136 (VCV001467136.6), dbSNP rs200304395, ClinGen allele CA24545178.